The following is an entry in ClinVar:

NM_001267550.2(TTN):c.103614G>A (p.Met34538Ile)

Genes: TTN-AS1 (TTN antisense RNA 1; plus strand), TTN (titin; minus strand). Cytogenetic location: 2q31.2.
Variant type: single nucleotide variant.
Coding change: c.103614G>A on transcript NM_001267550.2 (MANE Select); coding-DNA position 103614, G replaced by A.
Protein change: p.Met34538Ile; replaces methionine 34538 with isoleucine.
Molecular consequence: missense variant.
Genome position (GRCh38, 1-based): chr2:178,533,001, C>T on the plus strand (G>A on the coding strand, the complement: TTN is on the minus strand). VCF-style: chr2-178533001-C-T. GRCh37 (hg19) VCF-style: chr2-179397728-C-T.
Other names: c.98691G>A, p.Met32897Ile (NM_001256850.1); c.76419G>A, p.Met25473Ile (NM_003319.4); c.95910G>A, p.Met31970Ile (NM_133378.4); c.76794G>A, p.Met25598Ile (NM_133432.3); c.76995G>A, p.Met25665Ile (NM_133437.4); short protein forms M25665I, M31970I, M34538I, M25473I, M25598I, M32897I.
Identifiers: ClinVar variation 4785082 (VCV004785082.1).

ClinVar aggregate classification (germline): Uncertain significance (1 of 4 stars; one submission).

Conditions:
Autosomal recessive limb-girdle muscular dystrophy type 2J (LGMDR10). Also called: Limb-girdle muscular dystrophy, type 2J; MUSCULAR DYSTROPHY, LIMB-GIRDLE, AUTOSOMAL RECESSIVE 10. Identifiers: Orphanet 140922, MedGen C1837342, MONDO:0012127, OMIM 608807.
Dilated cardiomyopathy 1G (CMD1G). Identifiers: Orphanet 154, MedGen C1858763, MONDO:0011400, OMIM 604145.

Submission:

Labcorp Genetics (formerly Invitae), Labcorp
Classification: Uncertain significance for Dilated cardiomyopathy 1G; Autosomal recessive limb-girdle muscular dystrophy type 2J. Last evaluated: 2025-05-22. Review status: criteria provided, single submitter. Criteria: Invitae Variant Classification Sherloc (09022015). Collection method: clinical testing. Allele origin: germline.
Comment: This sequence change replaces methionine, which is neutral and non-polar, with isoleucine, which is neutral and non-polar, at codon 34538 of the TTN protein (p.Met34538Ile). This variant is not present in population databases (gnomAD no frequency). This variant has not been reported in the literature in individuals affected with TTN-related conditions. Experimental studies and prediction algorithms are not available or were not evaluated, and the functional significance of this variant is currently unknown. This variant is located in the M band of TTN (PMID: 25589632). Non-truncating variants in this region may be relevant for neuromuscular disorders, but have not been definitively shown to cause cardiomyopathy (PMID: 23975875). In summary, the available evidence is currently insufficient to determine the role of this variant in disease. Therefore, it has been classified as a Variant of Uncertain Significance.

Literature cited by the submitters: PubMed 25589632; PubMed 23975875.